The following is an entry in ClinVar:

NM_172245.4(CSF2RA):c.343+4A>G

Gene: CSF2RA (colony stimulating factor 2 receptor subunit alpha; plus strand). Cytogenetic location: Xp22.33.
Variant type: single nucleotide variant.
Coding change: c.343+4A>G on transcript NM_172245.4 (MANE Select); 4 bases into the intron after coding-DNA position 343, A replaced by G.
Molecular consequence: intron variant.
Genome position (GRCh38, 1-based): chrX:1,288,646, A>G. VCF-style: chrX-1288646-A-G. GRCh37 (hg19) VCF-style: chrX-1407539-A-G.
Other names: c.343+4A>G (NM_001379163.1, NM_001379159.1, NM_001379162.1 and 20 more transcripts); c.-57+4A>G (NM_001161532.2).
Identifiers: ClinVar variation 3652066 (VCV003652066.2).
Genomic context (GRCh38, chrX:1,288,646, plus strand): 5'-TTCACGTGAATACTAGTCAAAGAGGATTTCAACAGAAACTGCTTTATCCAAATTCAGGTA[A>G]GCAAGACAGCTCAGGGATCCGTTTACAGCACTGGCCCCACCACCCCGCCAGCATCAAAGT-3'

ClinVar aggregate classification (germline): Uncertain significance (1 of 4 stars; one submission).

Conditions:
Surfactant metabolism dysfunction, pulmonary, 4 (SMDP4). Also called: PAP DUE TO CSF2RA DEFICIENCY; PULMONARY ALVEOLAR PROTEINOSIS, CONGENITAL, 4; CSF2RA DEFICIENCY. Identifiers: Orphanet 264675, MedGen C2677877, MONDO:0010424, OMIM 300770.

Submission:

Labcorp Genetics (formerly Invitae), Labcorp
Classification: Uncertain significance for Surfactant metabolism dysfunction, pulmonary, 4. Last evaluated: 2024-05-08. Review status: criteria provided, single submitter. Criteria: Invitae Variant Classification Sherloc (09022015). Collection method: clinical testing. Allele origin: germline.
Comment: This sequence change falls in intron 5 of the CSF2RA gene. It does not directly change the encoded amino acid sequence of the CSF2RA protein. It affects a nucleotide within the consensus splice site. This variant is not present in population databases (gnomAD no frequency). This variant has not been reported in the literature in individuals affected with CSF2RA-related conditions. Variants that disrupt the consensus splice site are a relatively common cause of aberrant splicing (PMID: 17576681, 9536098). Algorithms developed to predict the effect of sequence changes on RNA splicing suggest that this variant may disrupt the consensus splice site. In summary, the available evidence is currently insufficient to determine the role of this variant in disease. Therefore, it has been classified as a Variant of Uncertain Significance.

Literature cited by the submitters: PubMed 17576681; PubMed 9536098.